The following is an entry in ClinVar:

NM_015102.5(NPHP4):c.2492C>T (p.Pro831Leu)

Gene: NPHP4 (nephrocystin 4; minus strand). Cytogenetic location: 1p36.31.
Variant type: single nucleotide variant.
Coding change: c.2492C>T on transcript NM_015102.5 (MANE Select); coding-DNA position 2492, C replaced by T.
Protein change: p.Pro831Leu; replaces proline 831 with leucine.
Molecular consequence: missense variant. On other transcripts: non-coding transcript variant (1).
Genome position (GRCh38, 1-based): chr1:5,880,233, G>A on the plus strand (C>T on the coding strand, the complement: NPHP4 is on the minus strand). VCF-style: chr1-5880233-G-A. GRCh37 (hg19) VCF-style: chr1-5940293-G-A.
Other names: c.2492C>T (NM_015102.3); c.953C>T, p.Pro318Leu (NM_001291593.2); c.956C>T, p.Pro319Leu (NM_001291594.2); short protein forms P831L, P319L, P318L.
Identifiers: ClinVar variation 1411774 (VCV001411774.5), dbSNP rs568060648, ClinGen allele CA554079.

ClinVar aggregate classification (germline): Conflicting classifications of pathogenicity. Review status: criteria provided, conflicting classifications (1 of 4 stars). 2 submissions from 2 submitters: Uncertain significance (1); Likely benign (1). Last evaluated 2025-08-22.

Conditions:
Inborn genetic diseases. Identifiers: MedGen C0950123, MeSH D030342.
Nephronophthisis. Also called: Juvenile Nephronophthisis. Identifiers: Orphanet 655, MedGen C0687120, MONDO:0019005, HP:0000090.

Allele frequency attached by ClinVar (database versions not stated): gnomAD 0.00001 and 0.00003; gnomAD exomes 0.00003 and 0.00007; TOPMed 0.00003; ExAC 0.00007; 1000 Genomes Project 30x 0.00016; 1000 Genomes Project 0.00020.
gnomAD v4.1: 56 of 1,613,366 alleles (0.0035%); highest among the groups gnomAD compares: East Asian, 0.029%; no homozygotes.

Submissions (2):

Ambry Genetics
Classification: Likely benign for Inborn genetic diseases. Last evaluated: 2025-08-22. Review status: criteria provided, single submitter. Criteria: Ambry Variant Classification Scheme 2023. Collection method: clinical testing. Allele origin: germline.

Labcorp Genetics (formerly Invitae), Labcorp
Classification: Uncertain significance for Nephronophthisis. Last evaluated: 2023-05-23. Review status: criteria provided, single submitter. Criteria: Invitae Variant Classification Sherloc (09022015). Collection method: clinical testing. Allele origin: germline.
Comment: In summary, the available evidence is currently insufficient to determine the role of this variant in disease. Therefore, it has been classified as a Variant of Uncertain Significance. Advanced modeling of protein sequence and biophysical properties (such as structural, functional, and spatial information, amino acid conservation, physicochemical variation, residue mobility, and thermodynamic stability) performed at Invitae indicates that this missense variant is not expected to disrupt NPHP4 protein function. ClinVar contains an entry for this variant (Variation ID: 1411774). This variant has not been reported in the literature in individuals affected with NPHP4-related conditions. This variant is present in population databases (rs568060648, gnomAD 0.04%). This sequence change replaces proline, which is neutral and non-polar, with leucine, which is neutral and non-polar, at codon 831 of the NPHP4 protein (p.Pro831Leu).